The following is an entry in ClinVar:

NM_001042432.2(CLN3):c.83del (p.Leu28fs)

Gene: CLN3 (CLN3 lysosomal/endosomal transmembrane protein, battenin; minus strand). Cytogenetic location: 16p12.1.
Variant type: Deletion.
Coding change: c.83del on transcript NM_001042432.2 (MANE Select); coding-DNA position 83, one base deleted (T; older notation c.83delT).
Protein change: p.Leu28fs; shifts the reading frame from leucine 28.
Molecular consequence: frameshift variant. On other transcripts: intron variant (3).
Genome position (GRCh38, 1-based): chr16:28,491,524, A deleted on the plus strand (T on the coding strand, the reverse complement: CLN3 is on the minus strand); the first of 2 consecutive A bases (chr16:28,491,524-28,491,525); deleting either gives the same sequence. VCF-style (leftmost placement, unchanged base first): chr16-28491523-CA-C. GRCh37 (hg19) VCF-style: chr16-28502844-CA-C.
Other names: c.83del, p.Leu28fs (NM_000086.2, NM_001286104.2); c.-38+190del (NM_001286109.2, NM_001286110.2); c.-96+190del (NM_001286105.2); c.83delT (NM_001042432.1); short protein forms L28fs.
Identifiers: ClinVar variation 4738196 (VCV004738196.2).
Genomic context (GRCh38, chr16:28,491,523, plus strand): 5'-GAAGTCTCAGGCCACTCACCAGAAGCCCACCGCGTTCTTCCAATGCGCGCCCTGATGGTC[CA>C]ACAGAGGGAGCCGGGGCTCCGGGACGGTCTCCTCCCCTGGGAGAGCGAGAAGAGGGCATG-3'

ClinVar aggregate classification (germline): Pathogenic/Likely pathogenic. Review status: criteria provided, multiple submitters, no conflicts (2 of 4 stars). 2 submissions from 2 submitters: Pathogenic (1); Likely pathogenic (1). Last evaluated 2026-08-13.

Conditions:
CLN3-related disorder. Also called: CLN3-related condition. Identifiers: MedGen CN382248.
Neuronal ceroid lipofuscinosis. Also called: Neuronal Ceroid Lipofuscinoses. Identifiers: Orphanet 216, Orphanet 79263, MedGen C0027877, MONDO:0016295. Disease mechanism: loss of function.

Submissions (2):

PreventionGenetics, part of Exact Sciences
Classification: Likely pathogenic for CLN3-related condition. Last evaluated: 2026-08-13. Review status: criteria provided, single submitter. Criteria: ACMG Guidelines, 2015. Collection method: clinical testing. Allele origin: germline.
Comment: The CLN3 c.83delT variant is predicted to result in a frameshift and premature protein termination (p.Leu28Trpfs*27). To our knowledge, this variant has not been reported in the literature or in a large population database (gnomAD), indicating this variant is rare. Frameshift variants in CLN3 are expected to be pathogenic. This variant is interpreted as likely pathogenic.

Labcorp Genetics (formerly Invitae), Labcorp
Classification: Pathogenic for Neuronal ceroid lipofuscinosis. Last evaluated: 2025-12-01. Review status: criteria provided, single submitter. Criteria: Invitae Variant Classification Sherloc (09022015). Collection method: clinical testing. Allele origin: germline.
Comment: This sequence change creates a premature translational stop signal (p.Leu28Trpfs*27) in the CLN3 gene. It is expected to result in an absent or disrupted protein product. Loss-of-function variants in CLN3 are known to be pathogenic (PMID: 9311735, 28542676). This variant is not present in population databases (gnomAD no frequency). This variant has not been reported in the literature in individuals affected with CLN3-related conditions. For these reasons, this variant has been classified as Pathogenic.

Literature cited by the submitters: PubMed 9311735 (cited by Labcorp Genetics (formerly Invitae), Labcorp); PubMed 28542676 (cited by Labcorp Genetics (formerly Invitae), Labcorp).